The following is an entry in ClinVar:

NM_005733.3(KIF20A):c.1926+5G>A

Gene: KIF20A (kinesin family member 20A; plus strand). Cytogenetic location: 5q31.2.
Variant type: single nucleotide variant.
Coding change: c.1926+5G>A on transcript NM_005733.3 (MANE Select); 5 bases into the intron after coding-DNA position 1926, G replaced by A.
Molecular consequence: intron variant.
Genome position (GRCh38, 1-based): chr5:138,185,202, G>A. VCF-style: chr5-138185202-G-A. GRCh37 (hg19) VCF-style: chr5-137520891-G-A.
Identifiers: ClinVar variation 2751237 (VCV002751237.3), dbSNP rs778021194, ClinGen allele CA3426755.

ClinVar aggregate classification (germline): Uncertain significance (1 of 4 stars; one submission).

Allele frequency attached by ClinVar (database versions not stated): ExAC 0.00001; gnomAD exomes 0.00001.
gnomAD v4.1: 3 of 1,592,680 alleles (0.00019%); highest among the groups gnomAD compares: Non-Finnish European, 0.00026%; no homozygotes.

Submission:

Labcorp Genetics (formerly Invitae), Labcorp
Classification: Uncertain significance. Last evaluated: 2023-09-23. Review status: criteria provided, single submitter. Criteria: Invitae Variant Classification Sherloc (09022015). Collection method: clinical testing. Allele origin: germline.
Comment: In summary, the available evidence is currently insufficient to determine the role of this variant in disease. Therefore, it has been classified as a Variant of Uncertain Significance. Variants that disrupt the consensus splice site are a relatively common cause of aberrant splicing (PMID: 17576681, 9536098). Algorithms developed to predict the effect of sequence changes on RNA splicing suggest that this variant is not likely to affect RNA splicing. This variant has not been reported in the literature in individuals affected with KIF20A-related conditions. This variant is present in population databases (rs778021194, gnomAD 0.0009%). This sequence change falls in intron 15 of the KIF20A gene. It does not directly change the encoded amino acid sequence of the KIF20A protein. It affects a nucleotide within the consensus splice site.

Literature cited by the submitters: PubMed 17576681; PubMed 9536098.